The following is an entry in ClinVar:

NM_001430.5(EPAS1):c.2277T>A (p.Asn759Lys)

Gene: EPAS1 (endothelial PAS domain protein 1; plus strand). Cytogenetic location: 2p21.
Variant type: single nucleotide variant.
Coding change: c.2277T>A on transcript NM_001430.5 (MANE Select); coding-DNA position 2277, T replaced by A.
Protein change: p.Asn759Lys; replaces asparagine 759 with lysine.
Molecular consequence: missense variant.
Genome position (GRCh38, 1-based): chr2:46,382,079, T>A. VCF-style: chr2-46382079-T-A. GRCh37 (hg19) VCF-style: chr2-46609218-T-A.
Other names: short protein forms N759K.
Identifiers: ClinVar variation 1788878 (VCV001788878.2), dbSNP rs956118272, ClinGen allele CA46568807.

ClinVar aggregate classification (germline): Uncertain significance (1 of 4 stars; one submission).

Conditions:
Inborn genetic diseases. Identifiers: MedGen C0950123, MeSH D030342.

Allele frequency attached by ClinVar (database versions not stated): TOPMed below 0.00001.
gnomAD v4.1: 1 of 1,613,810 alleles (0.000062%); highest among the groups gnomAD compares: Non-Finnish European, 0.000085%; no homozygotes.

Submission:

Ambry Genetics
Classification: Uncertain significance for Inborn genetic diseases. Last evaluated: 2021-10-03. Review status: criteria provided, single submitter. Criteria: Ambry Variant Classification Scheme 2023. Collection method: clinical testing. Allele origin: germline.
Comment: The p.N759K variant (also known as c.2277T>A), located in coding exon 14 of the EPAS1 gene, results from a T to A substitution at nucleotide position 2277. The asparagine at codon 759 is replaced by lysine, an amino acid with similar properties. This amino acid position is conserved. In addition, this alteration is predicted to be tolerated by in silico analysis. Since supporting evidence is limited at this time, the clinical significance of this alteration remains unclear.